The following is an entry in ClinVar:

NM_000264.5(PTCH1):c.2570A>G (p.Asp857Gly)

Gene: PTCH1 (patched 1; minus strand). Cytogenetic location: 9q22.32.
Variant type: single nucleotide variant.
Coding change: c.2570A>G on transcript NM_000264.5 (MANE Select); coding-DNA position 2570, A replaced by G.
Protein change: p.Asp857Gly; replaces aspartic acid 857 with glycine.
Molecular consequence: missense variant. On other transcripts: non-coding transcript variant (1).
Genome position (GRCh38, 1-based): chr9:95,461,989, T>C on the plus strand (A>G on the coding strand, the complement: PTCH1 is on the minus strand). VCF-style: chr9-95461989-T-C. GRCh37 (hg19) VCF-style: chr9-98224271-T-C.
Other names: c.2372A>G, p.Asp791Gly (NM_001083602.3); c.2567A>G, p.Asp856Gly (NM_001083603.3); c.2117A>G, p.Asp706Gly (NM_001083604.3, NM_001083605.3, NM_001083606.3 and 1 more transcripts); c.2414A>G, p.Asp805Gly (NM_001354918.2); short protein forms D791G, D856G, D857G, D706G, D805G.
Identifiers: ClinVar variation 2191819 (VCV002191819.7), dbSNP rs763119366, ClinGen allele CA5138364.
Genomic context (GRCh38, chr9:95,461,989, plus strand): 5'-GATCCATTCTTGTAATTGTTTGGCATGATTTTCCCGGTTTCCCAGTCACTGTCAAATGCA[T>C]CCTGAAGTCCTAGAAATGGCAAATGATTGTAACACATTATAACTCGCAGCCAGAAGGACC-3'
Protein context (NP_000255.2, residues 847-867): YFRDWLQGLQ[Asp857Gly]AFDSDWETGK

ClinVar aggregate classification (germline): Conflicting classifications of pathogenicity. Review status: criteria provided, conflicting classifications (1 of 4 stars). 3 submissions from 3 submitters: Uncertain significance (2); Benign (1). Last evaluated 2026-06-01.

Conditions:
Hereditary cancer-predisposing syndrome. Also called: Hereditary Cancer Syndrome; Neoplastic Syndromes, Hereditary; Hereditary neoplastic syndrome; Tumor predisposition. Identifiers: Orphanet 140162, MedGen C0027672, MeSH D009386, MONDO:0015356.
Gorlin syndrome. Also called: Nevoid Basal Cell Carcinoma Syndrome; Basal cell nevus syndrome. Identifiers: Orphanet 377, MedGen C0004779, MONDO:0007187.

Allele frequency attached by ClinVar (database versions not stated): ExAC 0.00001; gnomAD 0.00001; gnomAD exomes 0.00001.

Submissions (3):

CeGaT Center for Human Genetics Tuebingen
Classification: Uncertain significance. Last evaluated: 2026-06-01. Review status: criteria provided, single submitter. Criteria: CeGaT Center For Human Genetics Tuebingen Variant Classification Criteria Version 2. Collection method: clinical testing. Allele origin: germline. Affected: yes. Observed: 1 variant allele.

Ambry Genetics
Classification: Uncertain significance for Hereditary cancer-predisposing syndrome. Last evaluated: 2025-02-12. Review status: criteria provided, single submitter. Criteria: Ambry Variant Classification Scheme 2023. Collection method: clinical testing. Allele origin: germline.
Comment: The p.D857G variant (also known as c.2570A>G), located in coding exon 16 of the PTCH1 gene, results from an A to G substitution at nucleotide position 2570. The aspartic acid at codon 857 is replaced by glycine, an amino acid with similar properties. This amino acid position is conserved. In addition, the in silico prediction for this alteration is inconclusive. Based on the available evidence, the clinical significance of this variant remains unclear.

Labcorp Genetics (formerly Invitae), Labcorp
Classification: Benign for Gorlin syndrome. Last evaluated: 2024-05-22. Review status: criteria provided, single submitter. Criteria: Invitae Variant Classification Sherloc (09022015). Collection method: clinical testing. Allele origin: germline.